The following is an entry in ClinVar:

ClinVar aggregate classification (germline): Uncertain significance (1 of 4 stars; one submission).

Allele frequency attached by ClinVar (database versions not stated): gnomAD exomes 0.00001; ExAC 0.00002.
gnomAD v4.1: 3 of 1,611,942 alleles (0.00019%); highest among the groups gnomAD compares: Admixed American, 0.005%; no homozygotes.

Submission:

Labcorp Genetics (formerly Invitae), Labcorp
Classification: Uncertain significance. Last evaluated: 2020-12-30. Review status: criteria provided, single submitter. Criteria: Invitae Variant Classification Sherloc (09022015). Collection method: clinical testing. Allele origin: germline.
Comment: This variant has been observed in individual(s) with Bruck syndrome (PMID: 29177700). This variant is present in population databases (rs765108706, ExAC 0.02%). This sequence change replaces glycine with aspartic acid at codon 661 of the PLOD2 protein (p.Gly661Asp). The glycine residue is highly conserved and there is a moderate physicochemical difference between glycine and aspartic acid. In summary, the available evidence is currently insufficient to determine the role of this variant in disease. Therefore, it has been classified as a Variant of Uncertain Significance. Algorithms developed to predict the effect of missense changes on protein structure and function are either unavailable or do not agree on the potential impact of this missense change (SIFT: "Deleterious"; PolyPhen-2: "Probably Damaging"; Align-GVGD: "Class C0").

Literature cited by the submitters: PubMed 29177700.

NM_182943.3(PLOD2):c.1982G>A (p.Gly661Asp)

Gene: PLOD2 (procollagen-lysine,2-oxoglutarate 5-dioxygenase 2; minus strand). Cytogenetic location: 3q24.
Variant type: single nucleotide variant.
Coding change: c.1982G>A on transcript NM_182943.3 (MANE Select); coding-DNA position 1982, G replaced by A.
Protein change: p.Gly661Asp; replaces glycine 661 with aspartic acid.
Molecular consequence: missense variant.
Genome position (GRCh38, 1-based): chr3:146,071,290, C>T on the plus strand (G>A on the coding strand, the complement: PLOD2 is on the minus strand). VCF-style: chr3-146071290-C-T. GRCh37 (hg19) VCF-style: chr3-145789077-C-T.
Other names: c.1919G>A, p.Gly640Asp (NM_000935.3); short protein forms G661D, G640D.
Identifiers: ClinVar variation 1366020 (VCV001366020.8), dbSNP rs765108706, ClinGen allele CA2654718.